The following is an entry in ClinVar:

ClinVar aggregate classification (germline): Conflicting classifications of pathogenicity. Review status: criteria provided, conflicting classifications (1 of 4 stars). 6 submissions from 6 submitters: Uncertain significance (1); Benign (1); Likely benign (3). 1 of the submissions does not count toward it. Last evaluated 2026-01-27.

Conditions:
Dilated cardiomyopathy 1G (CMD1G). Identifiers: Orphanet 154, MedGen C1858763, MONDO:0011400, OMIM 604145.
Autosomal recessive limb-girdle muscular dystrophy type 2J (LGMDR10). Also called: MUSCULAR DYSTROPHY, LIMB-GIRDLE, AUTOSOMAL RECESSIVE 10; Limb-girdle muscular dystrophy, type 2J. Identifiers: Orphanet 140922, MedGen C1837342, MONDO:0012127, OMIM 608807.
TTN-related disorder. Also called: TTN-related disorders; TTN-related condition; TTN-related disease.

Allele frequency attached by ClinVar (database versions not stated): TOPMed 0.00048; gnomAD exomes 0.00004 and 0.00015; 1000 Genomes Project 0.00020; ExAC 0.00027; 1000 Genomes Project 30x 0.00016; gnomAD 0.00044 and 0.00046; ESP Exome Variant Server 0.00034.

Submissions (6):

Labcorp Genetics (formerly Invitae), Labcorp
Classification: Likely benign for Dilated cardiomyopathy 1G; Autosomal recessive limb-girdle muscular dystrophy type 2J. Last evaluated: 2026-01-27. Review status: criteria provided, single submitter. Criteria: Invitae Variant Classification Sherloc (09022015). Collection method: clinical testing. Allele origin: germline.

Blueprint Genetics
Classification: Likely benign. Last evaluated: 2024-01-30. Review status: criteria provided, single submitter. Criteria: ACMG Guidelines, 2015. Collection method: clinical testing. Allele origin: germline.

Eurofins Ntd Llc (ga)
Classification: Uncertain significance. Last evaluated: 2017-09-13. Review status: criteria provided, single submitter. Criteria: EGL Classification Definitions 2015. Collection method: clinical testing. Allele origin: germline. Observed: 3 variant alleles, 3 heterozygotes.

Laboratory for Molecular Medicine, Mass General Brigham Personalized Medicine
Classification: Likely benign. Last evaluated: 2016-05-27. Review status: criteria provided, single submitter. Criteria: LMM Criteria. Collection method: clinical testing. Allele origin: germline. Observed: 2 variant alleles.
Comment: c.57572-8T>C in intron 260 of TTN: This variant is not expected to have clinical significance because a T>C change at this position does not diverge from the sp lice consensus sequence and is therefore unlikely to impact splicing. It has bee n identified in 0.21% (10/4750) of African chromosomes by the Exome Aggregation Consortium (ExAC; dbSNP rs377484398).

GeneDx
Classification: Benign. Last evaluated: 2014-10-02. Review status: criteria provided, single submitter. Criteria: GeneDx Variant Classification (06012015). Collection method: clinical testing. Allele origin: germline. Affected: yes.
Comment: This variant is considered likely benign or benign based on one or more of the following criteria: it is a conservative change, it occurs at a poorly conserved position in the protein, it is predicted to be benign by multiple in silico algorithms, and/or has population frequency not consistent with disease.

PreventionGenetics, part of Exact Sciences
Classification: Likely benign for TTN-related condition. Last evaluated: 2022-05-17. Review status: no assertion criteria provided. Collection method: clinical testing. Allele origin: germline. Not counted in ClinVar's aggregate classification.
Comment: This variant is classified as likely benign based on ACMG/AMP sequence variant interpretation guidelines (Richards et al. 2015 PMID: 25741868, with internal and published modifications).

NM_001267550.2(TTN):c.65276-8T>C

Genes: TTN (titin; minus strand), TTN-AS1 (TTN antisense RNA 1; plus strand). Cytogenetic location: 2q31.2.
Variant type: single nucleotide variant.
Coding change: c.65276-8T>C on transcript NM_001267550.2 (MANE Select); 8 bases into the intron before coding-DNA position 65276, T replaced by C.
Molecular consequence: intron variant. On other transcripts: non-coding transcript variant (1).
Genome position (GRCh38, 1-based): chr2:178,583,914, A>G on the plus strand (T>C on the coding strand, the complement: TTN is on the minus strand). VCF-style: chr2-178583914-A-G. GRCh37 (hg19) VCF-style: chr2-179448641-A-G.
Other names: c.38081-8T>C (NM_003319.4); c.38657-8T>C (NM_133437.4); c.38456-8T>C (NM_133432.3); c.57572-8T>C (NM_133378.4); c.60353-8T>C (NM_001256850.1).
Identifiers: ClinVar variation 47221 (VCV000047221.24), dbSNP rs377484398, ClinGen allele CA210974.